The following is an entry in ClinVar:

ClinVar aggregate classification (germline): Conflicting classifications of pathogenicity. Review status: criteria provided, conflicting classifications (1 of 4 stars). 2 submissions from 2 submitters: Likely pathogenic (1); Uncertain significance (1). Last evaluated 2025-04-19.

Conditions:
Autosomal recessive congenital ichthyosis 2 (ARCI2). Identifiers: Orphanet 281122, Orphanet 79394, MedGen C3888093, MONDO:0009439, OMIM 242100.

Allele frequency attached by ClinVar (database versions not stated): gnomAD exomes below 0.00001; TOPMed 0.00001.
gnomAD v4.1: 6 of 1,614,148 alleles (0.00037%); highest among the groups gnomAD compares: African/African-American, 0.0013%; no homozygotes.

Submissions (2):

Labcorp Genetics (formerly Invitae), Labcorp
Classification: Uncertain significance. Last evaluated: 2025-04-19. Review status: criteria provided, single submitter. Criteria: Invitae Variant Classification Sherloc (09022015). Collection method: clinical testing. Allele origin: germline.
Comment: This sequence change replaces arginine, which is basic and polar, with glutamine, which is neutral and polar, at codon 600 of the ALOX12B protein (p.Arg600Gln). This variant is present in population databases (no rsID available, gnomAD 0.007%). This variant has not been reported in the literature in individuals affected with ALOX12B-related conditions. ClinVar contains an entry for this variant (Variation ID: 982808). Invitae Evidence Modeling of protein sequence and biophysical properties (such as structural, functional, and spatial information, amino acid conservation, physicochemical variation, residue mobility, and thermodynamic stability) has been performed for this missense variant. However, the output from this modeling did not meet the statistical confidence thresholds required to predict the impact of this variant on ALOX12B protein function. In summary, the available evidence is currently insufficient to determine the role of this variant in disease. Therefore, it has been classified as a Variant of Uncertain Significance.

Institute of Human Genetics, University of Leipzig Medical Center
Classification: Likely pathogenic for Autosomal recessive congenital ichthyosis 2. Last evaluated: 2019-01-01. Review status: criteria provided, single submitter. Criteria: ACMG Guidelines, 2015. Collection method: clinical testing. Allele origin: unknown. Affected: yes.
Comment: This variant was identified as compound heterozygous.

NM_001139.3(ALOX12B):c.1799G>A (p.Arg600Gln)

Gene: ALOX12B (arachidonate 12-lipoxygenase, 12R type; minus strand). Cytogenetic location: 17p13.1.
Variant type: single nucleotide variant.
Coding change: c.1799G>A on transcript NM_001139.3 (MANE Select); coding-DNA position 1799, G replaced by A.
Protein change: p.Arg600Gln; replaces arginine 600 with glutamine.
Molecular consequence: missense variant.
Genome position (GRCh38, 1-based): chr17:8,073,275, C>T on the plus strand (G>A on the coding strand, the complement: ALOX12B is on the minus strand). VCF-style: chr17-8073275-C-T. GRCh37 (hg19) VCF-style: chr17-7976593-C-T.
Other names: short protein forms R600Q.
Identifiers: ClinVar variation 982808 (VCV000982808.2), dbSNP rs1333287390, ClinGen allele CA397986519.